The following is an entry in ClinVar:

ClinVar aggregate classification (germline): Uncertain significance (1 of 4 stars; one submission).

Submission:

Labcorp Genetics (formerly Invitae), Labcorp
Classification: Uncertain significance. Last evaluated: 2022-11-30. Review status: criteria provided, single submitter. Criteria: Invitae Variant Classification Sherloc (09022015). Collection method: clinical testing. Allele origin: germline.
Comment: This variant is not present in population databases (gnomAD no frequency). In summary, the available evidence is currently insufficient to determine the role of this variant in disease. Therefore, it has been classified as a Variant of Uncertain Significance. Advanced modeling of protein sequence and biophysical properties (such as structural, functional, and spatial information, amino acid conservation, physicochemical variation, residue mobility, and thermodynamic stability) performed at Invitae indicates that this missense variant is not expected to disrupt INTU protein function. This variant has not been reported in the literature in individuals affected with INTU-related conditions. This sequence change replaces glutamine, which is neutral and polar, with lysine, which is basic and polar, at codon 113 of the INTU protein (p.Gln113Lys).

NM_015693.4(INTU):c.337C>A (p.Gln113Lys)

Gene: INTU (inturned planar cell polarity protein; plus strand). Cytogenetic location: 4q28.1.
Variant type: single nucleotide variant.
Coding change: c.337C>A on transcript NM_015693.4 (MANE Select); coding-DNA position 337, C replaced by A.
Protein change: p.Gln113Lys; replaces glutamine 113 with lysine.
Molecular consequence: missense variant.
Genome position (GRCh38, 1-based): chr4:127,643,711, C>A. VCF-style: chr4-127643711-C-A. GRCh37 (hg19) VCF-style: chr4-128564866-C-A.
Other names: short protein forms Q113K.
Identifiers: ClinVar variation 2804812 (VCV002804812.3), dbSNP rs1207836356, ClinGen allele CA358133338.